The following is an entry in ClinVar:

NM_000240.4(MAOA):c.703G>A (p.Gly235Arg)

Gene: MAOA (monoamine oxidase A; plus strand). Cytogenetic location: Xp11.3.
Variant type: single nucleotide variant.
Coding change: c.703G>A on transcript NM_000240.4 (MANE Select); coding-DNA position 703, G replaced by A.
Protein change: p.Gly235Arg; replaces glycine 235 with arginine.
Molecular consequence: missense variant.
Genome position (GRCh38, 1-based): chrX:43,731,298, G>A. VCF-style: chrX-43731298-G-A. GRCh37 (hg19) VCF-style: chrX-43590545-G-A.
Other names: c.304G>A, p.Gly102Arg (NM_001270458.2); short protein forms G235R, G102R.
Identifiers: ClinVar variation 1391867 (VCV001391867.6), dbSNP rs368201051, ClinGen allele CA10390826.

ClinVar aggregate classification (germline): Uncertain significance (1 of 4 stars; one submission).

Conditions:
Brunner syndrome (BRNRS). Identifiers: Orphanet 3057, MedGen C0796275, MONDO:0010379, OMIM 300615.

Allele frequency attached by ClinVar (database versions not stated): TOPMed 0.00001; gnomAD 0.00002; gnomAD exomes 0.00004 and 0.00007; ExAC 0.00007.
gnomAD v4.1: 46 of 1,207,480 alleles (0.0038%); highest among the groups gnomAD compares: South Asian, 0.053%; no homozygotes.

Submission:

Labcorp Genetics (formerly Invitae), Labcorp
Classification: Uncertain significance for Brunner syndrome. Last evaluated: 2025-08-26. Review status: criteria provided, single submitter. Criteria: Invitae Variant Classification Sherloc (09022015). Collection method: clinical testing. Allele origin: germline.
Comment: This sequence change replaces glycine, which is neutral and non-polar, with arginine, which is basic and polar, at codon 235 of the MAOA protein (p.Gly235Arg). This variant is present in population databases (rs368201051, gnomAD 0.06%), and has an allele count higher than expected for a pathogenic variant. This variant has not been reported in the literature in individuals affected with MAOA-related conditions. ClinVar contains an entry for this variant (Variation ID: 1391867). Invitae Evidence Modeling of protein sequence and biophysical properties (such as structural, functional, and spatial information, amino acid conservation, physicochemical variation, residue mobility, and thermodynamic stability) indicates that this missense variant is not expected to disrupt MAOA protein function with a negative predictive value of 80%. In summary, the available evidence is currently insufficient to determine the role of this variant in disease. Therefore, it has been classified as a Variant of Uncertain Significance.